The following is an entry in ClinVar:

ClinVar aggregate classification (germline): Uncertain significance. Review status: criteria provided, multiple submitters, no conflicts (2 of 4 stars). 3 submissions from 3 submitters: Uncertain significance (3). Last evaluated 2021-10-10.

Conditions:
Primary ciliary dyskinesia. Also called: Ciliary dyskinesia. Identifiers: Orphanet 244, MedGen C0008780, MONDO:0016575, HP:0012265.

Allele frequency attached by ClinVar (database versions not stated): TOPMed 0.00001; gnomAD 0.00003; gnomAD exomes 0.00003.
gnomAD v4.1: 45 of 1,543,140 alleles (0.0029%); highest among the groups gnomAD compares: Non-Finnish European, 0.0038%; no homozygotes.

Submissions (3):

Blueprint Genetics
Classification: Uncertain significance. Last evaluated: 2021-10-10. Review status: criteria provided, single submitter. Criteria: ACMG Guidelines, 2015. Collection method: clinical testing. Allele origin: germline.

Labcorp Genetics (formerly Invitae), Labcorp
Classification: Uncertain significance for Primary ciliary dyskinesia. Last evaluated: 2019-11-29. Review status: criteria provided, single submitter. Criteria: Invitae Variant Classification Sherloc (09022015). Collection method: clinical testing. Allele origin: germline.
Comment: This sequence change replaces glutamine with histidine at codon 746 of the CCDC39 protein (p.Gln746His). The glutamine residue is moderately conserved and there is a small physicochemical difference between glutamine and histidine. This variant is not present in population databases (ExAC no frequency). This variant has not been reported in the literature in individuals with CCDC39-related conditions. ClinVar contains an entry for this variant (Variation ID: 228473). Algorithms developed to predict the effect of missense changes on protein structure and function are either unavailable or do not agree on the potential impact of this missense change (SIFT: "Deleterious"; PolyPhen-2: "Probably Damaging"; Align-GVGD: "Class C0"). In summary, the available evidence is currently insufficient to determine the role of this variant in disease. Therefore, it has been classified as a Variant of Uncertain Significance.

Laboratory for Molecular Medicine, Mass General Brigham Personalized Medicine
Classification: Uncertain significance. Last evaluated: 2015-12-09. Review status: criteria provided, single submitter. Criteria: LMM Criteria. Collection method: clinical testing. Allele origin: germline. Observed: 1 variant allele.
Comment: The p.Gln746His variant in CCDC39 has not been previously reported in individual s with pulmonary disease and was absent from large population studies. Computati onal prediction tools and conservation analysis do not provide strong support fo r or against an impact to the protein. In summary, the clinical significance of the p.Gln746His variant is uncertain.

NM_181426.2(CCDC39):c.2238A>T (p.Gln746His)

Gene: CCDC39 (coiled-coil domain 39 molecular ruler complex subunit; minus strand). Cytogenetic location: 3q26.33.
Variant type: single nucleotide variant.
Coding change: c.2238A>T on transcript NM_181426.2 (MANE Select); coding-DNA position 2238, A replaced by T.
Protein change: p.Gln746His; replaces glutamine 746 with histidine.
Molecular consequence: missense variant.
Genome position (GRCh38, 1-based): chr3:180,619,286, T>A on the plus strand (A>T on the coding strand, the complement: CCDC39 is on the minus strand). VCF-style: chr3-180619286-T-A. GRCh37 (hg19) VCF-style: chr3-180337074-T-A.
Other names: short protein forms Q746H.
Identifiers: ClinVar variation 228473 (VCV000228473.6), dbSNP rs876657752, ClinGen allele CA10576611.